The following is an entry in ClinVar:

ClinVar aggregate classification (germline): Pathogenic/Likely pathogenic. Review status: criteria provided, multiple submitters, no conflicts (2 of 4 stars). 2 submissions from 2 submitters: Pathogenic (1); Likely pathogenic (1). Last evaluated 2022-10-31.

Conditions:
Epidermolysis bullosa simplex 5C, with pyloric atresia (EBS5C). Also called: Epidermolysis bullosa simplex with pyloric atresia; PLEC-Related Epidermolysis Bullosa with Pyloric Atresia; PLEC1-Related Epidermolysis Bullosa with Pyloric Atresia. Identifiers: Orphanet 158684, MedGen C2677349, MONDO:0012807, OMIM 612138.
Epidermolysis bullosa simplex with nail dystrophy (EBS5D). Identifiers: MedGen C4225309, MONDO:0014661, OMIM 616487.
Epidermolysis bullosa simplex 5B, with muscular dystrophy (EBS5B). Also called: EPIDERMOLYSIS BULLOSA SIMPLEX AND LIMB-GIRDLE MUSCULAR DYSTROPHY; Epidermolysis bullosa simplex with muscular dystrophy. Identifiers: Orphanet 257, MedGen C2931072, MONDO:0009181, OMIM 226670.
Autosomal recessive limb-girdle muscular dystrophy type 2Q (LGMDR17). Also called: MUSCULAR DYSTROPHY, LIMB-GIRDLE, AUTOSOMAL RECESSIVE 17. Identifiers: Orphanet 254361, MedGen C3150989, MONDO:0013390, OMIM 613723.
Epidermolysis bullosa simplex, Ogna type (EBS5A). Also called: Pidermolysis bullosa simplex 5A, Ogna type; EPIDERMOLYSIS BULLOSA SIMPLEX 5A, OGNA TYPE. Identifiers: Orphanet 79401, MedGen C0432317, MONDO:0007555, OMIM 131950.

Allele frequency attached by ClinVar (database versions not stated): gnomAD exomes below 0.00001; TOPMed below 0.00001; gnomAD 0.00001.
gnomAD v4.1: 3 of 1,608,596 alleles (0.00019%); highest among the groups gnomAD compares: Non-Finnish European, 0.00025%; no homozygotes.

Submissions (2):

Labcorp Genetics (formerly Invitae), Labcorp
Classification: Pathogenic for Autosomal recessive limb-girdle muscular dystrophy type 2Q; Epidermolysis bullosa simplex, Ogna type; Epidermolysis bullosa simplex with nail dystrophy; Epidermolysis bullosa simplex 5C, with pyloric atresia; Epidermolysis bullosa simplex 5B, with muscular dystrophy. Last evaluated: 2022-10-31. Review status: criteria provided, single submitter. Criteria: Invitae Variant Classification Sherloc (09022015). Collection method: clinical testing. Allele origin: germline.
Comment: This sequence change creates a premature translational stop signal (p.Tyr3024*) in the PLEC gene. While this is not anticipated to result in nonsense mediated decay, it is expected to disrupt the last 1551 amino acid(s) of the PLEC protein. This variant is not present in population databases (gnomAD no frequency). This variant has not been reported in the literature in individuals affected with PLEC-related conditions. ClinVar contains an entry for this variant (Variation ID: 620462). This variant disrupts a region of the PLEC protein in which other variant(s) (p.Lys4460*) have been determined to be pathogenic (PMID: 10652002). This suggests that this is a clinically significant region of the protein, and that variants that disrupt it are likely to be disease-causing. For these reasons, this variant has been classified as Pathogenic.

GeneDx
Classification: Likely pathogenic. Last evaluated: 2018-11-06. Review status: criteria provided, single submitter. Criteria: GeneDx Variant Classification (06012015). Collection method: clinical testing. Allele origin: germline. Affected: yes.
Comment: The Y3024X variant in the PLEC gene has not been reported previously as a pathogenic variant nor as a benign variant, to our knowledge. This variant is predicted to cause loss of normal protein function through protein truncation. The Y3024X variant is not observed in large population cohorts (Lek et al., 2016). We interpret Y3024X as a likely pathogenic variant.

Literature cited by the submitters: PubMed 10652002 (cited by Labcorp Genetics (formerly Invitae), Labcorp).

NM_201384.3(PLEC):c.8991C>G (p.Tyr2997Ter)

Gene: PLEC (plectin; minus strand). Cytogenetic location: 8q24.3.
Variant type: single nucleotide variant.
Coding change: c.8991C>G on transcript NM_201384.3 (MANE Select); coding-DNA position 8991, C replaced by G.
Protein change: p.Tyr2997Ter; replaces tyrosine 2997 with a stop codon.
Molecular consequence: nonsense.
Genome position (GRCh38, 1-based): chr8:143,920,830, G>C on the plus strand (C>G on the coding strand, the complement: PLEC is on the minus strand). VCF-style: chr8-143920830-G-C. GRCh37 (hg19) VCF-style: chr8-144994998-G-C.
Other names: c.9072C>G, p.Tyr3024Ter (NM_000445.5); c.8949C>G, p.Tyr2983Ter (NM_201378.4); c.8925C>G, p.Tyr2975Ter (NM_201379.3); c.9402C>G, p.Tyr3134Ter (NM_201380.4); c.8895C>G, p.Tyr2965Ter (NM_201381.3); c.8991C>G, p.Tyr2997Ter (NM_201382.4); c.9003C>G, p.Tyr3001Ter (NM_201383.3); short protein forms Y2965*, Y2975*, Y2983*, Y2997*, Y3001*, Y3024*, Y3134*.
Identifiers: ClinVar variation 620462 (VCV000620462.4), dbSNP rs1279778532, ClinGen allele CA372514463.